The following is an entry in ClinVar:

NM_001142800.2(EYS):c.4116_4117insGC (p.Ile1373fs)

Gene: EYS (EGF-like photoreceptor maintenance factor; minus strand). Cytogenetic location: 6q12.
Variant type: Insertion.
Coding change: c.4116_4117insGC on transcript NM_001142800.2 (MANE Select); coding-DNA positions 4116 to 4117, GC inserted.
Protein change: p.Ile1373fs; shifts the reading frame from isoleucine 1373.
Molecular consequence: frameshift variant.
Genome position: GRCh38 VCF-style: chr6-64591750-T-TGC. GRCh37 (hg19) VCF-style: chr6-65301643-T-TGC.
Other names: c.4116_4117insGC, p.Ile1373fs (NM_001292009.2); short protein forms I1373fs.
Identifiers: ClinVar variation 639098 (VCV000639098.6), dbSNP rs1582930536, ClinGen allele CA915944323.

ClinVar aggregate classification (germline): Pathogenic (1 of 4 stars; one submission).

Submission:

Labcorp Genetics (formerly Invitae), Labcorp
Classification: Pathogenic. Last evaluated: 2018-12-05. Review status: criteria provided, single submitter. Criteria: Invitae Variant Classification Sherloc (09022015). Collection method: clinical testing. Allele origin: germline.
Comment: This variant has not been reported in the literature in individuals with EYS-related conditions. This sequence change creates a premature translational stop signal (p.Ile1373Alafs*9) in the EYS gene. It is expected to result in an absent or disrupted protein product. This variant is not present in population databases (ExAC no frequency). Loss-of-function variants in EYS are known to be pathogenic (PMID: 18836446, 20333770). For these reasons, this variant has been classified as Pathogenic.

Literature cited by the submitters: PubMed 18836446; PubMed 20333770.